The following is an entry in ClinVar:

ClinVar aggregate classification (germline): Likely benign (1 of 4 stars; one submission).

gnomAD v4.1: 42 of 1,614,004 alleles (0.0026%); highest among the groups gnomAD compares: Middle Eastern, 0.016%; no homozygotes.

Submission:

CeGaT Center for Human Genetics Tuebingen
Classification: Likely benign. Last evaluated: 2026-07-01. Review status: criteria provided, single submitter. Criteria: CeGaT Center For Human Genetics Tuebingen Variant Classification Criteria Version 2. Collection method: clinical testing. Allele origin: germline. Affected: yes. Observed: 1 variant allele.
Comment: CEP152: BP4

NM_001194998.2(CEP152):c.4843G>A (p.Gly1615Ser)

Gene: CEP152 (centrosomal protein 152; minus strand). Cytogenetic location: 15q21.1.
Variant type: single nucleotide variant.
Coding change: c.4843G>A on transcript NM_001194998.2 (MANE Select); coding-DNA position 4843, G replaced by A.
Protein change: p.Gly1615Ser; replaces glycine 1615 with serine.
Molecular consequence: missense variant.
Genome position (GRCh38, 1-based): chr15:48,738,539, C>T on the plus strand (G>A on the coding strand, the complement: CEP152 is on the minus strand). VCF-style: chr15-48738539-C-T. GRCh37 (hg19) VCF-style: chr15-49030736-C-T.
Other names: c.4675G>A, p.Gly1559Ser (NM_014985.4); short protein forms G1559S, G1615S.
Identifiers: ClinVar variation 5038544 (VCV005038544.1).